The following is an entry in ClinVar:

ClinVar aggregate classification (germline): Uncertain significance (1 of 4 stars; one submission).

Allele frequency attached by ClinVar (database versions not stated): gnomAD exomes below 0.00001 and 0.00002; ExAC 0.00002; gnomAD 0.00005; ESP Exome Variant Server 0.00008; TOPMed 0.00008.
gnomAD v4.1: 14 of 1,613,386 alleles (0.00087%); highest among the groups gnomAD compares: African/African-American, 0.015%; no homozygotes.

Submission:

Labcorp Genetics (formerly Invitae), Labcorp
Classification: Uncertain significance. Last evaluated: 2022-07-05. Review status: criteria provided, single submitter. Criteria: Invitae Variant Classification Sherloc (09022015). Collection method: clinical testing. Allele origin: germline.
Comment: This sequence change replaces glutamic acid, which is acidic and polar, with lysine, which is basic and polar, at codon 219 of the OSTM1 protein (p.Glu219Lys). This variant is present in population databases (rs374786848, gnomAD 0.02%). This variant has not been reported in the literature in individuals affected with OSTM1-related conditions. ClinVar contains an entry for this variant (Variation ID: 1501844). Algorithms developed to predict the effect of missense changes on protein structure and function (SIFT, PolyPhen-2, Align-GVGD) all suggest that this variant is likely to be tolerated. In summary, the available evidence is currently insufficient to determine the role of this variant in disease. Therefore, it has been classified as a Variant of Uncertain Significance.

NM_014028.4(OSTM1):c.655G>A (p.Glu219Lys)

Gene: OSTM1 (osteoclastogenesis associated transmembrane protein 1; minus strand). Cytogenetic location: 6q21.
Variant type: single nucleotide variant.
Coding change: c.655G>A on transcript NM_014028.4 (MANE Select); coding-DNA position 655, G replaced by A.
Protein change: p.Glu219Lys; replaces glutamic acid 219 with lysine.
Molecular consequence: missense variant.
Genome position (GRCh38, 1-based): chr6:108,051,159, C>T on the plus strand (G>A on the coding strand, the complement: OSTM1 is on the minus strand). VCF-style: chr6-108051159-C-T. GRCh37 (hg19) VCF-style: chr6-108372363-C-T.
Other names: short protein forms E219K.
Identifiers: ClinVar variation 1501844 (VCV001501844.3), dbSNP rs374786848, ClinGen allele CA3947988.